The following is an entry in ClinVar:

NM_000742.4(CHRNA2):c.16C>T (p.Pro6Ser)

Gene: CHRNA2 (cholinergic receptor nicotinic alpha 2 subunit; minus strand). Cytogenetic location: 8p21.2.
Variant type: single nucleotide variant.
Coding change: c.16C>T on transcript NM_000742.4 (MANE Select); coding-DNA position 16, C replaced by T.
Protein change: p.Pro6Ser; replaces proline 6 with serine.
Molecular consequence: missense variant. On other transcripts: 5 prime UTR variant (4).
Genome position (GRCh38, 1-based): chr8:27,471,043, G>A on the plus strand (C>T on the coding strand, the complement: CHRNA2 is on the minus strand). VCF-style: chr8-27471043-G-A. GRCh37 (hg19) VCF-style: chr8-27328560-G-A.
Other names: c.16C>T, p.Pro6Ser (NM_001282455.2); c.-412C>T (NM_001347705.2); c.-457C>T (NM_001347706.2); c.-398C>T (NM_001347707.2); c.-446C>T (NM_001347708.2); short protein forms P6S.
Identifiers: ClinVar variation 2182038 (VCV002182038.4), dbSNP rs746835048, ClinGen allele CA4689824.
Genomic context (GRCh38, chr8:27,471,043, plus strand): 5'-CACCTGCTGGGGTCAGAAGGAGCCACCACAGGCTGAGCTTTGTGAAGGACAGGAACACAG[G>A]ACAGGAGGGGCCCATGGCTTCTCCTGAGCATCAGGAGGTCAGGTCAGGGCTTTGCTGTGG-3'
Protein context (NP_000733.2, residues 1-16): MGPSC[Pro6Ser]VFLSFTKLSL

ClinVar aggregate classification (germline): Uncertain significance (1 of 4 stars; one submission).

Conditions:
Familial sleep-related hypermotor epilepsy. Also called: Autosomal Dominant Sleep-Related Hypermotor (Hyperkinetic) Epilepsy. Identifiers: Orphanet 98784, MedGen C3696898, MONDO:0000030.

Allele frequency attached by ClinVar (database versions not stated): ExAC 0.00001; gnomAD 0.00001; 1000 Genomes Project 30x 0.00031; gnomAD exomes below 0.00001.
gnomAD v4.1: 4 of 1,614,124 alleles (0.00025%); highest among the groups gnomAD compares: South Asian, 0.0044%; no homozygotes.

Submission:

Labcorp Genetics (formerly Invitae), Labcorp
Classification: Uncertain significance. Last evaluated: 2022-11-22. Review status: criteria provided, single submitter. Criteria: Invitae Variant Classification Sherloc (09022015). Collection method: clinical testing. Allele origin: germline.
Comment: In summary, the available evidence is currently insufficient to determine the role of this variant in disease. Therefore, it has been classified as a Variant of Uncertain Significance. Advanced modeling of protein sequence and biophysical properties (such as structural, functional, and spatial information, amino acid conservation, physicochemical variation, residue mobility, and thermodynamic stability) performed at Invitae indicates that this missense variant is not expected to disrupt CHRNA2 protein function. This variant has not been reported in the literature in individuals affected with CHRNA2-related conditions. This variant is present in population databases (rs746835048, gnomAD 0.003%). This sequence change replaces proline, which is neutral and non-polar, with serine, which is neutral and polar, at codon 6 of the CHRNA2 protein (p.Pro6Ser).